The following is an entry in ClinVar:

ClinVar aggregate classification (germline): Uncertain significance. Review status: criteria provided, single submitter (1 of 4 stars). 2 submissions from 2 submitters: Uncertain significance (1). 1 of the submissions does not count toward it. Last evaluated 2024-05-21.

Conditions:
SCP2-related disorder. Also called: SCP2-related condition.

Allele frequency attached by ClinVar (database versions not stated): gnomAD exomes below 0.00001; gnomAD 0.00006; TOPMed 0.00009; ESP Exome Variant Server 0.00015.
gnomAD v4.1: 14 of 1,597,798 alleles (0.00088%); highest among the groups gnomAD compares: African/African-American, 0.011%; no homozygotes.

Submissions (2):

Mayo Clinic Laboratories, Mayo Clinic
Classification: Uncertain significance. Last evaluated: 2024-05-21. Review status: criteria provided, single submitter. Criteria: ACMG Guidelines, 2015. Collection method: clinical testing. Allele origin: germline. Observed: 1 variant allele.
Comment: PM2

PreventionGenetics, part of Exact Sciences
Classification: Uncertain significance for SCP2-related condition. Last evaluated: 2024-02-02. Review status: no assertion criteria provided. Collection method: clinical testing. Allele origin: germline. Not counted in ClinVar's aggregate classification.
Comment: The SCP2 c.67A>C variant is predicted to result in the amino acid substitution p.Lys23Gln. To our knowledge, this variant has not been reported in the literature. This variant is reported in 0.018% of alleles in individuals of African descent in gnomAD. At this time, the clinical significance of this variant is uncertain due to the absence of conclusive functional and genetic evidence.

NM_002979.5(SCP2):c.67A>C (p.Lys23Gln)

Gene: SCP2 (sterol carrier protein 2; plus strand). Cytogenetic location: 1p32.3.
Variant type: single nucleotide variant.
Coding change: c.67A>C on transcript NM_002979.5 (MANE Select); coding-DNA position 67, A replaced by C.
Protein change: p.Lys23Gln; replaces lysine 23 with glutamine.
Molecular consequence: missense variant. On other transcripts: 5 prime UTR variant (1).
Genome position (GRCh38, 1-based): chr1:52,927,463, A>C. VCF-style: chr1-52927463-A-C. GRCh37 (hg19) VCF-style: chr1-53393135-A-C.
Other names: p.Lys23Gln; c.67A>C, p.Lys23Gln (NM_001007098.3, NM_001193599.2, NM_001193600.2 and 1 more transcripts); c.-119A>C (NM_001193617.2); short protein forms K23Q.
Identifiers: ClinVar variation 3036323 (VCV003036323.3), dbSNP rs149958725, ClinGen allele CA22581876.
Genomic context (GRCh38, chr1:52,927,463, plus strand): 5'-TCTTCCCCGTGGGAGCCTGCGACCCTGCGCCGGGTGTTCGTGGTGGGGGTTGGCATGACC[A>C]AGGTAAACCGAGCAGCGGCCCTGCTGGCCCTCTGAGGCTCGGGGGCGGTCGGTGCCTGGG-3'
Protein context (NP_002970.2, residues 13-33): RVFVVGVGMT[Lys23Gln]FVKPGAENSR